The following is an entry in ClinVar:

NM_152468.5(TMC8):c.2078C>T (p.Pro693Leu)

Gene: TMC8 (transmembrane channel like 8; plus strand). Cytogenetic location: 17q25.3.
Variant type: single nucleotide variant.
Coding change: c.2078C>T on transcript NM_152468.5 (MANE Select); coding-DNA position 2078, C replaced by T.
Protein change: p.Pro693Leu; replaces proline 693 with leucine.
Molecular consequence: missense variant.
Genome position (GRCh38, 1-based): chr17:78,141,009, C>T. VCF-style: chr17-78141009-C-T. GRCh37 (hg19) VCF-style: chr17-76137090-C-T.
Other names: short protein forms P693L.
Identifiers: ClinVar variation 2194911 (VCV002194911.4), dbSNP rs1383948718, ClinGen allele CA401254637.

ClinVar aggregate classification (germline): Uncertain significance (1 of 4 stars; one submission).

Conditions:
Epidermodysplasia verruciformis. Identifiers: Orphanet 302, MedGen C0014522, MONDO:0009176.

Allele frequency attached by ClinVar (database versions not stated): TOPMed below 0.00001; gnomAD 0.00001.
gnomAD v4.1: 1 of 1,597,104 alleles (0.000063%); highest among the groups gnomAD compares: Non-Finnish European, 0.000085%; no homozygotes.

Submission:

Labcorp Genetics (formerly Invitae), Labcorp
Classification: Uncertain significance for Epidermodysplasia verruciformis. Last evaluated: 2022-10-13. Review status: criteria provided, single submitter. Criteria: Invitae Variant Classification Sherloc (09022015). Collection method: clinical testing. Allele origin: germline.
Comment: This variant is present in population databases (no rsID available, gnomAD 0.0009%). This sequence change replaces proline, which is neutral and non-polar, with leucine, which is neutral and non-polar, at codon 693 of the TMC8 protein (p.Pro693Leu). This variant has not been reported in the literature in individuals affected with TMC8-related conditions. Algorithms developed to predict the effect of missense changes on protein structure and function are either unavailable or do not agree on the potential impact of this missense change (SIFT: "Deleterious"; PolyPhen-2: "Benign"; Align-GVGD: "Class C0"). In summary, the available evidence is currently insufficient to determine the role of this variant in disease. Therefore, it has been classified as a Variant of Uncertain Significance.